The following is an entry in ClinVar:

ClinVar aggregate classification (germline): Conflicting classifications of pathogenicity. Review status: criteria provided, conflicting classifications (1 of 4 stars). 6 submissions from 6 submitters: Uncertain significance (4); Benign (1); Likely benign (1). Last evaluated 2025-01-13.

Conditions:
Cardiovascular phenotype. Identifiers: MedGen CN230736.
Andersen Tawil syndrome (LQT7). Also called: ANDERSEN CARDIODYSRHYTHMIC PERIODIC PARALYSIS; Potassium-sensitive periodic paralysis, ventricular ectopy, and dysmorphic features; Andersen Syndrome; LONG QT SYNDROME 7; PERIODIC PARALYSIS, POTASSIUM-SENSITIVE CARDIODYSRHYTHMIC TYPE. Identifiers: Orphanet 37553, MedGen C1563715, MONDO:0008222, OMIM 170390.
Short QT syndrome type 3. Identifiers: Orphanet 51083, MedGen C1865018, MONDO:0012314, OMIM 609622.
Atrial fibrillation, familial, 9 (ATFB9). Identifiers: MedGen C3151431, MONDO:0013513, OMIM 613980.

Allele frequency attached by ClinVar (database versions not stated): TOPMed 0.00003; gnomAD 0.00005; ESP Exome Variant Server 0.00008.

Submissions (6):

Labcorp Genetics (formerly Invitae), Labcorp
Classification: Uncertain significance for Short QT syndrome type 3; Andersen Tawil syndrome. Last evaluated: 2025-01-13. Review status: criteria provided, single submitter. Criteria: Invitae Variant Classification Sherloc (09022015). Collection method: clinical testing. Allele origin: germline.
Comment: This sequence change replaces alanine, which is neutral and non-polar, with serine, which is neutral and polar, at codon 70 of the KCNJ2 protein (p.Ala70Ser). This variant is present in population databases (rs375605948, gnomAD 0.009%). This missense change has been observed in individual(s) with clinical features of long QT syndrome (PMID: 30847666). ClinVar contains an entry for this variant (Variation ID: 403977). Invitae Evidence Modeling of protein sequence and biophysical properties (such as structural, functional, and spatial information, amino acid conservation, physicochemical variation, residue mobility, and thermodynamic stability) indicates that this missense variant is not expected to disrupt KCNJ2 protein function with a negative predictive value of 95%. In summary, the available evidence is currently insufficient to determine the role of this variant in disease. Therefore, it has been classified as a Variant of Uncertain Significance.

Women's Health and Genetics/Laboratory Corporation of America, LabCorp
Classification: Likely benign. Last evaluated: 2023-11-21. Review status: criteria provided, single submitter. Criteria: LabCorp Variant Classification Summary - May 2015. Collection method: clinical testing. Allele origin: germline.
Comment: Variant summary: KCNJ2 c.208G>T (p.Ala70Ser) results in a conservative amino acid change located in the Potassium channel, inwardly rectifying, transmembrane domain (IPR040445) of the encoded protein sequence. Four of five in-silico tools predict a benign effect of the variant on protein function. The variant allele was found at a frequency of 4.8e-05 in 251482 control chromosomes (gnomAD). The observed variant frequency is approximately 4.77 fold of the estimated maximal expected allele frequency for a pathogenic variant in KCNJ2 causing Arrhythmia phenotype (1e-05), strongly suggesting that the variant is benign. c.208G>T has been reported in the literature in an individual affected with long QT syndrome (van Lint_2019). This report does not provide unequivocal conclusions about association of the variant with Arrhythmia. To our knowledge, no experimental evidence demonstrating an impact on protein function has been reported. The following publication has been ascertained in the context of this evaluation (PMID: 30847666). Five submitters have cited clinical-significance assessments for this variant to ClinVar after 2014. All submitters classified the variant as uncertain significance. Based on the evidence outlined above, the variant was classified as likely benign.

Ambry Genetics
Classification: Benign for Cardiovascular phenotype. Last evaluated: 2023-09-29. Review status: criteria provided, single submitter. Criteria: Ambry Variant Classification Scheme 2023. Collection method: clinical testing. Allele origin: germline.

Fulgent Genetics
Classification: Uncertain significance for Andersen Tawil syndrome; Short QT syndrome type 3; Atrial fibrillation, familial, 9. Last evaluated: 2021-08-30. Review status: criteria provided, single submitter. Criteria: ACMG Guidelines, 2015. Collection method: clinical testing. Allele origin: unknown.

GeneDx
Classification: Uncertain significance. Last evaluated: 2021-01-22. Review status: criteria provided, single submitter. Criteria: GeneDx Variant Classification Process June 2021. Collection method: clinical testing. Allele origin: germline. Affected: yes.
Comment: Reported in ClinVar as a variant of uncertain significance (ClinVar Variant ID# 403977; Landrum et al., 2016); In silico analysis supports that this missense variant does not alter protein structure/function; Reported in association with LQTS; additional patient-specific data were not provided (van Lint et al., 2019); This variant is associated with the following publications: (PMID: 30847666)

Mayo Clinic Laboratories, Mayo Clinic
Classification: Uncertain significance. Last evaluated: 2020-06-24. Review status: criteria provided, single submitter. Criteria: ACMG Guidelines, 2015. Collection method: clinical testing. Allele origin: germline. Observed: 1 variant allele.

Literature cited by the submitters: PubMed 30847666 (cited by Labcorp Genetics (formerly Invitae), Labcorp and Women's Health and Genetics/Laboratory Corporation of America, LabCorp).

NM_000891.3(KCNJ2):c.208G>T (p.Ala70Ser)

Gene: KCNJ2 (potassium inwardly rectifying channel subfamily J member 2; plus strand). Cytogenetic location: 17q24.3.
Variant type: single nucleotide variant.
Coding change: c.208G>T on transcript NM_000891.3 (MANE Select); coding-DNA position 208, G replaced by T.
Protein change: p.Ala70Ser; replaces alanine 70 with serine.
Molecular consequence: missense variant.
Genome position (GRCh38, 1-based): chr17:70,175,247, G>T. VCF-style: chr17-70175247-G-T. GRCh37 (hg19) VCF-style: chr17-68171388-G-T.
Other names: short protein forms A70S.
Identifiers: ClinVar variation 403977 (VCV000403977.18), dbSNP rs375605948, ClinGen allele CA8738699.
Genomic context (GRCh38, chr17:70,175,247, plus strand): 5'-AAAGATGGCCACTGTAATGTTCAGTTCATCAATGTGGGTGAGAAGGGGCAACGGTACCTC[G>T]CAGACATCTTCACCACGTGTGTGGACATTCGCTGGCGGTGGATGCTGGTTATCTTCTGCC-3'
Protein context (NP_000882.1, residues 60-80): NVGEKGQRYL[Ala70Ser]DIFTTCVDIR